The following is an entry in ClinVar:

NM_016035.5(COQ4):c.223G>C (p.Glu75Gln)

Gene: COQ4 (coenzyme Q4; plus strand). Cytogenetic location: 9q34.11.
Variant type: single nucleotide variant.
Coding change: c.223G>C on transcript NM_016035.5 (MANE Select); coding-DNA position 223, G replaced by C.
Protein change: p.Glu75Gln; replaces glutamic acid 75 with glutamine.
Molecular consequence: missense variant. On other transcripts: intron variant (1).
Genome position (GRCh38, 1-based): chr9:128,325,163, G>C. VCF-style: chr9-128325163-G-C. GRCh37 (hg19) VCF-style: chr9-131087442-G-C.
Other names: c.203-616G>C (NM_001305942.2); short protein forms E75Q.
Identifiers: ClinVar variation 1498926 (VCV001498926.8), dbSNP rs1352310924, ClinGen allele CA375020270.

ClinVar aggregate classification (germline): Uncertain significance (1 of 4 stars; one submission).

Conditions:
Neonatal encephalomyopathy-cardiomyopathy-respiratory distress syndrome. Also called: Coenzyme Q10 deficiency, primary, 7. Identifiers: Orphanet 457185, MedGen C5568562, MONDO:0014562, OMIM 616276.

Submission:

Labcorp Genetics (formerly Invitae), Labcorp
Classification: Uncertain significance for Neonatal encephalomyopathy-cardiomyopathy-respiratory distress syndrome. Last evaluated: 2021-04-18. Review status: criteria provided, single submitter. Criteria: Invitae Variant Classification Sherloc (09022015). Collection method: clinical testing. Allele origin: germline.
Comment: This sequence change replaces glutamic acid with glutamine at codon 75 of the COQ4 protein (p.Glu75Gln). The glutamic acid residue is highly conserved and there is a small physicochemical difference between glutamic acid and glutamine. This variant is not present in population databases (ExAC no frequency). This variant has not been reported in the literature in individuals with COQ4-related conditions. Algorithms developed to predict the effect of missense changes on protein structure and function (SIFT, PolyPhen-2, Align-GVGD) all suggest that this variant is likely to be disruptive, but these predictions have not been confirmed by published functional studies and their clinical significance is uncertain. In summary, the available evidence is currently insufficient to determine the role of this variant in disease. Therefore, it has been classified as a Variant of Uncertain Significance.